The following is an entry in ClinVar:

ClinVar aggregate classification (germline): Uncertain significance. Review status: criteria provided, multiple submitters, no conflicts (2 of 4 stars). 2 submissions from 2 submitters: Uncertain significance (2). Last evaluated 2024-04-18.

Conditions:
Multiple gastrointestinal atresias. Also called: Multiple intestinal atresia; FAMILIAL INTESTINAL POLYATRESIA SYNDROME. Identifiers: Orphanet 2300, MedGen C0220744, MONDO:0009465.
Inborn genetic diseases. Identifiers: MedGen C0950123, MeSH D030342.

Allele frequency attached by ClinVar (database versions not stated): gnomAD exomes 0.00001 and 0.00002; ESP Exome Variant Server 0.00008; gnomAD 0.00011; TOPMed 0.00017.
gnomAD v4.1: 37 of 1,613,956 alleles (0.0023%); highest among the groups gnomAD compares: African/African-American, 0.047%; no homozygotes.

Submissions (2):

Ambry Genetics
Classification: Uncertain significance for Inborn genetic diseases. Last evaluated: 2024-04-18. Review status: criteria provided, single submitter. Criteria: Ambry Variant Classification Scheme 2023. Collection method: clinical testing. Allele origin: germline.

Labcorp Genetics (formerly Invitae), Labcorp
Classification: Uncertain significance for Multiple gastrointestinal atresias. Last evaluated: 2020-06-18. Review status: criteria provided, single submitter. Criteria: Invitae Variant Classification Sherloc (09022015). Collection method: clinical testing. Allele origin: germline.
Comment: This sequence change replaces threonine with serine at codon 276 of the TTC7A protein (p.Thr276Ser). The threonine residue is moderately conserved and there is a small physicochemical difference between threonine and serine. This variant is not present in population databases (ExAC no frequency). This variant has not been reported in the literature in individuals with TTC7A-related conditions. Algorithms developed to predict the effect of missense changes on protein structure and function (SIFT, PolyPhen-2, Align-GVGD) all suggest that this variant is likely to be tolerated, but these predictions have not been confirmed by published functional studies and their clinical significance is uncertain. In summary, the available evidence is currently insufficient to determine the role of this variant in disease. Therefore, it has been classified as a Variant of Uncertain Significance.

NM_020458.4(TTC7A):c.826A>T (p.Thr276Ser)

Gene: TTC7A (tetratricopeptide repeat domain 7A; plus strand). Cytogenetic location: 2p21.
Variant type: single nucleotide variant.
Coding change: c.826A>T on transcript NM_020458.4 (MANE Select); coding-DNA position 826, A replaced by T.
Protein change: p.Thr276Ser; replaces threonine 276 with serine.
Molecular consequence: missense variant. On other transcripts: 5 prime UTR variant (1).
Genome position (GRCh38, 1-based): chr2:46,993,511, A>T. VCF-style: chr2-46993511-A-T. GRCh37 (hg19) VCF-style: chr2-47220650-A-T.
Other names: c.826A>T, p.Thr276Ser (NM_001288951.2); c.724A>T, p.Thr242Ser (NM_001288953.2); c.-79A>T (NM_001288955.2); c.826A>T (NM_020458.2); short protein forms T276S, T242S.
Identifiers: ClinVar variation 1040036 (VCV001040036.9), dbSNP rs373538285, ClinGen allele CA46618762.